The following is an entry in ClinVar:

ClinVar aggregate classification (germline): Uncertain significance. Review status: criteria provided, multiple submitters, no conflicts (2 of 4 stars). 2 submissions from 2 submitters: Uncertain significance (2). Last evaluated 2023-10-09.

Conditions:
Cardiomyopathy (CMYO). Also called: Cardiomyopathies. Identifiers: Orphanet 167848, MedGen C0878544, MONDO:0004994, HP:0001638. Inheritance: Various modes of inheritance.
Cardiovascular phenotype. Identifiers: MedGen CN230736.

Allele frequency attached by ClinVar (database versions not stated): gnomAD exomes below 0.00001.
gnomAD v4.1: 2 of 1,614,088 alleles (0.00012%); highest among the groups gnomAD compares: East Asian, 0.0045%; no homozygotes.

Submissions (2):

Color Diagnostics, LLC DBA Color Health
Classification: Uncertain significance for Cardiomyopathy. Last evaluated: 2023-10-09. Review status: criteria provided, single submitter. Criteria: ACMG Guidelines, 2015. Collection method: clinical testing. Allele origin: germline.
Comment: This missense variant replaces proline with serine at codon 2739 of the DSP protein. Computational prediction suggests that this variant may have deleterious impact on protein structure and function (internally defined REVEL score threshold >= 0.7, PMID: 27666373). To our knowledge, functional studies have not been reported for this variant. This variant has not been reported in individuals affected with DSP-related disorders in the literature. This variant has been identified in 1/251432 chromosomes in the general population by the Genome Aggregation Database (gnomAD). The available evidence is insufficient to determine the role of this variant in disease conclusively. Therefore, this variant is classified as a Variant of Uncertain Significance.

Ambry Genetics
Classification: Uncertain significance for Cardiovascular phenotype. Last evaluated: 2023-06-23. Review status: criteria provided, single submitter. Criteria: Ambry Variant Classification Scheme 2023. Collection method: clinical testing. Allele origin: germline.
Comment: The p.P2739S variant (also known as c.8215C>T), located in coding exon 24 of the DSP gene, results from a C to T substitution at nucleotide position 8215. The proline at codon 2739 is replaced by serine, an amino acid with similar properties. This amino acid position is conserved. In addition, this alteration is predicted to be deleterious by in silico analysis. Since supporting evidence is limited at this time, the clinical significance of this alteration remains unclear.

NM_004415.4(DSP):c.8215C>T (p.Pro2739Ser)

Gene: DSP (desmoplakin; plus strand). Cytogenetic location: 6p24.3.
Variant type: single nucleotide variant.
Coding change: c.8215C>T on transcript NM_004415.4 (MANE Select); coding-DNA position 8215, C replaced by T.
Protein change: p.Pro2739Ser; replaces proline 2739 with serine.
Molecular consequence: missense variant.
Genome position (GRCh38, 1-based): chr6:7,585,477, C>T. VCF-style: chr6-7585477-C-T. GRCh37 (hg19) VCF-style: chr6-7585710-C-T.
Other names: c.6418C>T, p.Pro2140Ser (NM_001008844.3); c.6886C>T, p.Pro2296Ser (NM_001319034.2); short protein forms P2140S, P2296S, P2739S.
Identifiers: ClinVar variation 2587387 (VCV002587387.4), dbSNP rs1305246281, ClinGen allele CA362694688.